The following is an entry in ClinVar:

ClinVar aggregate classification (germline): Uncertain significance. Review status: criteria provided, multiple submitters, no conflicts (2 of 4 stars). 2 submissions from 2 submitters: Uncertain significance (2). Last evaluated 2024-12-18.

Conditions:
Becker muscular dystrophy (BMD). Also called: MUSCULAR DYSTROPHY, PSEUDOHYPERTROPHIC PROGRESSIVE, BECKER TYPE; Becker Muscular Dystrophy (BMD). Identifiers: Orphanet 98895, MedGen C0917713, MONDO:0010311, OMIM 300376.
Duchenne muscular dystrophy (DMD). Also called: MUSCULAR DYSTROPHY, PSEUDOHYPERTROPHIC PROGRESSIVE, DUCHENNE TYPE; Duchenne Muscular Dystrophy (DMD). Identifiers: Orphanet 98896, MedGen C0013264, MONDO:0010679, OMIM 310200.

Submissions (2):

3billion
Classification: Uncertain significance for Becker muscular dystrophy. Last evaluated: 2024-12-18. Review status: criteria provided, single submitter. Criteria: ACMG Guidelines, 2015. Collection method: clinical testing. Allele origin: germline. Affected: yes.
Comment: The variant is not observed in the gnomAD v4.1.0 dataset. Predicted Consequence/Location: Inframe deletion located in a nonrepeat region: predicted to change the length of the protein and disrupt normal protein function. The variant has been reported to be associated with DMD-related disorder (PMID: 19937601). However, the evidence of pathogenicity is insufficient at this time. Therefore, this variant is classified as VUS according to the recommendation of ACMG/AMP guideline.

Labcorp Genetics (formerly Invitae), Labcorp
Classification: Uncertain significance for Duchenne muscular dystrophy. Last evaluated: 2024-01-10. Review status: criteria provided, single submitter. Criteria: Invitae Variant Classification Sherloc (09022015). Collection method: clinical testing. Allele origin: germline.
Comment: This variant, c.2836_2838del, results in the deletion of 1 amino acid(s) of the DMD protein (p.Glu946del), but otherwise preserves the integrity of the reading frame. This variant is not present in population databases (gnomAD no frequency). This variant has been observed in individuals with Becker muscular dystrophy (PMID: 16770791, 19937601; Invitae). Experimental studies and prediction algorithms are not available or were not evaluated, and the functional significance of this variant is currently unknown. In summary, the available evidence is currently insufficient to determine the role of this variant in disease. Therefore, it has been classified as a Variant of Uncertain Significance.

Literature cited by the submitters: PubMed 19937601 (cited by 3billion and Labcorp Genetics (formerly Invitae), Labcorp); PubMed 16770791 (cited by Labcorp Genetics (formerly Invitae), Labcorp).

NM_004006.3(DMD):c.2836_2838del (p.Glu946del)

Gene: DMD (dystrophin; minus strand). Cytogenetic location: Xp21.1.
Variant type: Deletion.
Coding change: c.2836_2838del on transcript NM_004006.3 (MANE Select); coding-DNA positions 2836 to 2838, 3 bases deleted (GAG; older notation c.2836_2838delGAG).
Protein change: p.Glu946del; deletes glutamic acid 946.
Molecular consequence: inframe deletion.
Genome position (GRCh38, 1-based): chrX:32,472,275-32,472,277, CTC deleted on the plus strand (GAG on the coding strand, the reverse complement: DMD is on the minus strand); deleting any 3 consecutive bases within chrX:32,472,275-32,472,279 gives the same sequence; the c. name uses the placement nearest the transcript's 3' end. VCF-style (leftmost placement, unchanged base first): chrX-32472274-TCTC-T. GRCh37 (hg19) VCF-style: chrX-32490391-TCTC-T.
Other names: c.2812_2814del, p.Glu938del (NM_000109.4); c.2824_2826del, p.Glu942del (NM_004009.3); c.2467_2469del, p.Glu823del (NM_004010.3); short protein forms E823del, E946del, E938del, E942del.
Identifiers: ClinVar variation 2737166 (VCV002737166.4), dbSNP rs2524678312, ClinGen allele CA2695232848.